The following is an entry in ClinVar:

NM_020822.3(KCNT1):c.3058C>T (p.Arg1020Cys)

Gene: KCNT1 (potassium sodium-activated channel subfamily T member 1; plus strand). Cytogenetic location: 9q34.3.
Variant type: single nucleotide variant.
Coding change: c.3058C>T on transcript NM_020822.3 (MANE Select); coding-DNA position 3058, C replaced by T.
Protein change: p.Arg1020Cys; replaces arginine 1020 with cysteine.
Molecular consequence: missense variant.
Genome position (GRCh38, 1-based): chr9:135,784,791, C>T. VCF-style: chr9-135784791-C-T. GRCh37 (hg19) VCF-style: chr9-138676637-C-T.
Other names: c.2923C>T, p.Arg975Cys (NM_001272003.2); short protein forms R1020C, R975C.
Identifiers: ClinVar variation 445748 (VCV000445748.27), dbSNP rs747605326, ClinGen allele CA5327598.

ClinVar aggregate classification (germline): Conflicting classifications of pathogenicity. Review status: criteria provided, conflicting classifications (1 of 4 stars). 7 submissions from 7 submitters: Uncertain significance (1); Benign (1); Likely benign (4). 1 of the submissions does not count toward it. Last evaluated 2025-12-01.

Conditions:
Inborn genetic diseases. Identifiers: MedGen C0950123, MeSH D030342.
Developmental and epileptic encephalopathy, 14 (DEE14). Also called: Early infantile epileptic encephalopathy 14. Identifiers: Orphanet 293181, MedGen C3554195, MONDO:0013989, OMIM 614959.
Autosomal dominant nocturnal frontal lobe epilepsy 5. Also called: KCNT1-Related Epilepsy; Epilepsy, nocturnal frontal lobe, 5; CILIARY DYSKINESIA, PRIMARY, 28, WITHOUT SITUS INVERSUS; CILIARY DYSKINESIA, PRIMARY, 28, WITH SITUS INVERSUS. Identifiers: Orphanet 98784, MedGen C3554306, MONDO:0014002, OMIM 615005.
KCNT1-related disorder. Also called: KCNT1-related condition.

Allele frequency attached by ClinVar (database versions not stated): TOPMed 0.00002; gnomAD exomes 0.00005 and 0.00010; ExAC 0.00007; gnomAD 0.00012 and 0.00014.
gnomAD v4.1: 86 of 1,612,642 alleles (0.0053%); highest among the groups gnomAD compares: Middle Eastern, 0.016%; no homozygotes.

Submissions (7):

Labcorp Genetics (formerly Invitae), Labcorp
Classification: Likely benign for Autosomal dominant nocturnal frontal lobe epilepsy 5; Developmental and epileptic encephalopathy, 14. Last evaluated: 2025-12-01. Review status: criteria provided, single submitter. Criteria: Invitae Variant Classification Sherloc (09022015). Collection method: clinical testing. Allele origin: germline.

CeGaT Center for Human Genetics Tuebingen
Classification: Likely benign. Last evaluated: 2025-06-01. Review status: criteria provided, single submitter. Criteria: CeGaT Center For Human Genetics Tuebingen Variant Classification Criteria Version 2. Collection method: clinical testing. Allele origin: germline. Affected: yes. Observed: 1 variant allele.
Comment: KCNT1: PP3, BS1

Blueprint Genetics
Classification: Likely benign. Last evaluated: 2024-11-07. Review status: criteria provided, single submitter. Criteria: ACMG Guidelines, 2015. Collection method: clinical testing. Allele origin: germline.

Ambry Genetics
Classification: Likely benign for Inborn genetic diseases. Last evaluated: 2024-01-16. Review status: criteria provided, single submitter. Criteria: Ambry Variant Classification Scheme 2023. Collection method: clinical testing. Allele origin: germline.

GeneDx
Classification: Benign. Last evaluated: 2019-11-05. Review status: criteria provided, single submitter. Criteria: GeneDx Variant Classification Process June 2021. Collection method: clinical testing. Allele origin: germline. Affected: yes.

Center for Pediatric Genomic Medicine, Children's Mercy Hospital and Clinics
Classification: Uncertain significance. Last evaluated: 2017-06-15. Review status: criteria provided, single submitter. Criteria: ACMG Guidelines, 2015. Collection method: clinical testing. Allele origin: germline.

PreventionGenetics, part of Exact Sciences
Classification: Likely benign for KCNT1-related condition. Last evaluated: 2023-08-23. Review status: no assertion criteria provided. Collection method: clinical testing. Allele origin: germline. Not counted in ClinVar's aggregate classification.
Comment: This variant is classified as likely benign based on ACMG/AMP sequence variant interpretation guidelines (Richards et al. 2015 PMID: 25741868, with internal and published modifications).